The following is an entry in ClinVar:

ClinVar aggregate classification (germline): Likely benign (1 of 4 stars; one submission).

Allele frequency attached by ClinVar (database versions not stated): gnomAD exomes 0.00002; gnomAD 0.00003 and 0.00004; TOPMed 0.00006; ESP Exome Variant Server 0.00008.
gnomAD v4.1: 28 of 1,613,684 alleles (0.0017%); highest among the groups gnomAD compares: African/African-American, 0.017%; no homozygotes.

Submission:

GeneDx
Classification: Likely benign. Last evaluated: 2012-11-15. Review status: criteria provided, single submitter. Criteria: GeneDx Variant Classification (06012015). Collection method: clinical testing. Allele origin: germline. Affected: yes.
Comment: This variant is considered likely benign or benign based on one or more of the following criteria: it is a conservative change, it occurs at a poorly conserved position in the protein, it is predicted to be benign by multiple in silico algorithms, and/or has population frequency not consistent with disease.

NM_174889.5(NDUFAF2):c.485G>A (p.Arg162Gln)

Gene: NDUFAF2 (NADH:ubiquinone oxidoreductase complex assembly factor 2; plus strand). Cytogenetic location: 5q12.1.
Variant type: single nucleotide variant.
Coding change: c.485G>A on transcript NM_174889.5 (MANE Select); coding-DNA position 485, G replaced by A.
Protein change: p.Arg162Gln; replaces arginine 162 with glutamine.
Molecular consequence: missense variant.
Genome position (GRCh38, 1-based): chr5:61,152,930, G>A. VCF-style: chr5-61152930-G-A. GRCh37 (hg19) VCF-style: chr5-60448757-G-A.
Other names: p.R162Q:CGA>CAA; short protein forms R162Q.
Identifiers: ClinVar variation 214738 (VCV000214738.1), dbSNP rs374701660, ClinGen allele CA323638.